The following is an entry in ClinVar:

ClinVar aggregate classification (germline): Uncertain significance (1 of 4 stars; one submission).

Conditions:
Transcobalamin II deficiency (TCN2D). Also called: Transcolabamin II deficiency; TC II DEFICIENCY; TCN2 DEFICIENCY. Identifiers: Orphanet 859, MedGen C0342701, MONDO:0010149, OMIM 275350.

Allele frequency attached by ClinVar (database versions not stated): gnomAD 0.00001.

Submission:

Labcorp Genetics (formerly Invitae), Labcorp
Classification: Uncertain significance for Transcobalamin II deficiency. Last evaluated: 2023-12-22. Review status: criteria provided, single submitter. Criteria: Invitae Variant Classification Sherloc (09022015). Collection method: clinical testing. Allele origin: germline.
Comment: This sequence change replaces valine, which is neutral and non-polar, with isoleucine, which is neutral and non-polar, at codon 171 of the TCN2 protein (p.Val171Ile). This variant is present in population databases (no rsID available, gnomAD 0.0009%). This variant has not been reported in the literature in individuals affected with TCN2-related conditions. Advanced modeling of protein sequence and biophysical properties (such as structural, functional, and spatial information, amino acid conservation, physicochemical variation, residue mobility, and thermodynamic stability) performed at Invitae indicates that this missense variant is not expected to disrupt TCN2 protein function with a negative predictive value of 80%. In summary, the available evidence is currently insufficient to determine the role of this variant in disease. Therefore, it has been classified as a Variant of Uncertain Significance.

NM_000355.4(TCN2):c.511G>A (p.Val171Ile)

Gene: TCN2 (transcobalamin 2; plus strand). Cytogenetic location: 22q12.2.
Variant type: single nucleotide variant.
Coding change: c.511G>A on transcript NM_000355.4 (MANE Select); coding-DNA position 511, G replaced by A.
Protein change: p.Val171Ile; replaces valine 171 with isoleucine.
Molecular consequence: missense variant.
Genome position (GRCh38, 1-based): chr22:30,614,432, G>A. VCF-style: chr22-30614432-G-A. GRCh37 (hg19) VCF-style: chr22-31010419-G-A.
Other names: c.430G>A, p.Val144Ile (NM_001184726.2); short protein forms V171I, V144I.
Identifiers: ClinVar variation 2885764 (VCV002885764.2), dbSNP rs771200795, ClinGen allele CA411210801.
Genomic context (GRCh38, chr22:30,614,432, plus strand): 5'-CACACTAGCTACTACCAGTATGGCCTGGGCATTCTGGCCCTGTGTCTCCACCAGAAGCGG[G>A]TCCATGACAGCGTGGTGGACAAACTTCTGTATGCTGTGGAACCTTTCCACCAGGGCCACC-3'
Protein context (NP_000346.2, residues 161-181): ILALCLHQKR[Val171Ile]HDSVVDKLLY